The following is an entry in ClinVar:

ClinVar aggregate classification (germline): Likely benign (1 of 4 stars; one submission).

Allele frequency attached by ClinVar (database versions not stated): 1000 Genomes Project 30x 0.00156; 1000 Genomes Project 0.00160; TOPMed 0.00376; ESP Exome Variant Server 0.00383; gnomAD 0.00391; ExAC 0.00396; gnomAD exomes 0.00464.
gnomAD v4.1: 7,398 of 1,612,976 alleles (0.46%); highest among the groups gnomAD compares: Middle Eastern, 0.97%; 31 homozygotes.

Submission:

CeGaT Center for Human Genetics Tuebingen
Classification: Likely benign. Last evaluated: 2024-02-01. Review status: criteria provided, single submitter. Criteria: CeGaT Center For Human Genetics Tuebingen Variant Classification Criteria Version 2. Collection method: clinical testing. Allele origin: germline. Affected: yes. Observed: 2 variant alleles.
Comment: ABCA13: BP4, BP7, BS2

NM_152701.5(ABCA13):c.2952G>A (p.Ser984=)

Gene: ABCA13 (ATP binding cassette subfamily A member 13; plus strand). Cytogenetic location: 7p12.3.
Variant type: single nucleotide variant.
Coding change: c.2952G>A on transcript NM_152701.5 (MANE Select); coding-DNA position 2952, G replaced by A.
Protein change: p.Ser984=; no amino-acid change (serine 984 retained).
Molecular consequence: synonymous variant.
Genome position (GRCh38, 1-based): chr7:48,272,618, G>A. VCF-style: chr7-48272618-G-A. GRCh37 (hg19) VCF-style: chr7-48312215-G-A.
Identifiers: ClinVar variation 2657470 (VCV002657470.24), dbSNP rs140296472, ClinGen allele CA4256778.